The following is an entry in ClinVar:

ClinVar aggregate classification (germline): Pathogenic. Review status: criteria provided, multiple submitters, no conflicts (2 of 4 stars). 3 submissions from 2 submitters: Pathogenic (2). 1 of the submissions does not count toward it. Last evaluated 2026-01-22.

Conditions:
Familial adenomatous polyposis 1 (FAP1). Also called: FAMILIAL ADENOMATOUS POLYPOSIS 1, ATTENUATED; POLYPOSIS, ADENOMATOUS INTESTINAL. Identifiers: MedGen C2713442, MONDO:0021056, OMIM 175100. Disease mechanism: loss of function.

Submissions (3):

Myriad Genetics, Inc.
Classification: Pathogenic for Familial adenomatous polyposis 1. Last evaluated: 2026-01-22. Review status: criteria provided, single submitter. Criteria: Myriad Autosomal Dominant, Autosomal Recessive and X-Linked Classification Criteria (2023). Collection method: clinical testing. Allele origin: unknown.
Comment: This variant is considered pathogenic. This variant creates a termination codon and is predicted to result in premature protein truncation.

Labcorp Genetics (formerly Invitae), Labcorp
Classification: Pathogenic for Familial adenomatous polyposis 1. Last evaluated: 2016-03-28. Review status: criteria provided, single submitter. Criteria: Invitae Variant Classification Sherloc (09022015). Collection method: clinical testing. Allele origin: germline.
Comment: For these reasons, this variant has been classified as Pathogenic. While this particular variant has not been reported in the literature, numerous pathogenic truncating variants have been reported downstream of this c.5025dupT variant in individuals affected with classical familial adenomatous polyposis (FAP), attenuated FAP, or desmoid tumor, suggesting that the C-terminal portion of the protein is clinically important (PMID: 23159591,¬†8940264, 9824584, 8968744). This sequence change inserts 1 nucleotide in exon 16 of the APC mRNA (c.5025dupT), causing a frameshift at codon 1676. This creates a premature translational stop signal in the last exon of the APC mRNA (p.Arg1676*). While this is not anticipated to result in nonsense mediated decay, it is expected to remove the final ~1150 amino acid residues of APC, which is equivalent to ~40% of the total protein.

Labcorp Genetics (formerly Invitae), Labcorp
Classification: Pathogenic for Familial adenomatous polyposis 1. Last evaluated: 2016-03-28. Review status: flagged submission. Criteria: Invitae Variant Classification Sherloc (09022015). Collection method: clinical testing. Allele origin: germline. Not counted in ClinVar's aggregate classification.
Comment: This sequence change inserts 1 nucleotide in exon 16 of the APC mRNA (c.5025dupT), causing a frameshift at codon 1676. This creates a premature translational stop signal in the last exon of the APC mRNA (p.Arg1676*). While this is not anticipated to result in nonsense mediated decay, it is expected to remove the final ~1150 amino acid residues of APC, which is equivalent to ~40% of the total protein. While this particular variant has not been reported in the literature, numerous pathogenic truncating variants have been reported downstream of this c.5025dupT variant in individuals affected with classical familial adenomatous polyposis (FAP), attenuated FAP, or desmoid tumor, suggesting that the C-terminal portion of the protein is clinically important (PMID: 23159591, 8940264, 9824584, 8968744). For these reasons, this variant has been classified as Pathogenic.
ClinVar note: Reason: This record appears to be redundant with a more recent record from the same submitter.
ClinVar note: Notes: SCV000282771 appears to be redundant with SCV002229407.

Literature cited by the submitters: PubMed 23159591 (cited by Labcorp Genetics (formerly Invitae), Labcorp).

NM_000038.6(APC):c.5025dup (p.Arg1676Ter)

Gene: APC (APC regulator of Wnt signaling pathway; plus strand). Cytogenetic location: 5q22.2.
Variant type: Duplication.
Coding change: c.5025dup on transcript NM_000038.6 (MANE Select); coding-DNA position 5025, one base duplicated (T; older notation c.5025dupT).
Protein change: p.Arg1676Ter; replaces arginine 1676 with a stop codon.
Molecular consequence: nonsense.
Genome position (GRCh38, 1-based): chr5:112,840,619, T duplicated; the last of 2 consecutive T bases (chr5:112,840,618-112,840,619); duplicating either gives the same sequence. VCF-style (leftmost placement, unchanged base first): chr5-112840617-G-GT. GRCh37 (hg19) VCF-style: chr5-112176314-G-GT.
Other names: c.5025dup, p.Arg1676Ter (NM_001127510.3, NM_001354895.2); c.4971dup, p.Arg1658Ter (NM_001127511.3); c.5079dup, p.Arg1694Ter (NM_001354896.2); c.5055dup, p.Arg1686Ter (NM_001354897.2); c.4950dup, p.Arg1651Ter (NM_001354898.2); c.4941dup, p.Arg1648Ter (NM_001354899.2); c.4902dup, p.Arg1635Ter (NM_001354900.2); c.4848dup, p.Arg1617Ter (NM_001354901.2); and 5 more; short protein forms R1585*, R1617*, R1648*, R1658*, R1550*, R1635*, R1676*, R1393*.
Identifiers: ClinVar variation 236613 (VCV000236613.8), dbSNP rs878853454, ClinGen allele CA10582322.